The following is an entry in ClinVar:

ClinVar aggregate classification (germline): Uncertain significance. Review status: criteria provided, multiple submitters, no conflicts (2 of 4 stars). 2 submissions from 2 submitters: Uncertain significance (2). Last evaluated 2025-04-22.

Conditions:
TAB2-related disorder.

Submissions (2):

Labcorp Genetics (formerly Invitae), Labcorp
Classification: Uncertain significance. Last evaluated: 2025-04-22. Review status: criteria provided, single submitter. Criteria: Invitae Variant Classification Sherloc (09022015). Collection method: clinical testing. Allele origin: germline.
Comment: This sequence change replaces serine, which is neutral and polar, with threonine, which is neutral and polar, at codon 372 of the TAB2 protein (p.Ser372Thr). This variant is not present in population databases (gnomAD no frequency). This variant has not been reported in the literature in individuals affected with TAB2-related conditions. ClinVar contains an entry for this variant (Variation ID: 2630221). Invitae Evidence Modeling of protein sequence and biophysical properties (such as structural, functional, and spatial information, amino acid conservation, physicochemical variation, residue mobility, and thermodynamic stability) indicates that this missense variant is not expected to disrupt TAB2 protein function with a negative predictive value of 80%. In summary, the available evidence is currently insufficient to determine the role of this variant in disease. Therefore, it has been classified as a Variant of Uncertain Significance.

PreventionGenetics, part of Exact Sciences
Classification: Uncertain significance for TAB2-related condition. Last evaluated: 2023-02-06. Review status: criteria provided, single submitter. Criteria: ACMG Guidelines, 2015. Collection method: clinical testing. Allele origin: germline.
Comment: The TAB2 c.1115G>C variant is predicted to result in the amino acid substitution p.Ser372Thr. To our knowledge, this variant has not been reported in the literature or in a large population database, indicating this variant is rare. At this time, the clinical significance of this variant is uncertain due to the absence of conclusive functional and genetic evidence.

NM_001292034.3(TAB2):c.1115G>C (p.Ser372Thr)

Genes: TAB2 (TGF-beta activated kinase 1 (MAP3K7) binding protein 2; plus strand), LOC126859827 (BRD4-independent group 4 enhancer GRCh37_chr6:149699707-149700906; plus strand). Cytogenetic location: 6q25.1.
Variant type: single nucleotide variant.
Coding change: c.1115G>C on transcript NM_001292034.3 (MANE Select); coding-DNA position 1115, G replaced by C.
Protein change: p.Ser372Thr; replaces serine 372 with threonine.
Molecular consequence: missense variant.
Genome position (GRCh38, 1-based): chr6:149,379,030, G>C. VCF-style: chr6-149379030-G-C. GRCh37 (hg19) VCF-style: chr6-149700166-G-C.
Other names: c.1019G>C, p.Ser340Thr (NM_001292035.3); c.1115G>C, p.Ser372Thr (NM_001369506.1, NM_015093.6); short protein forms S340T, S372T.
Identifiers: ClinVar variation 2630221 (VCV002630221.2), dbSNP rs2483393232, ClinGen allele CA365997993.
Genomic context (GRCh38, chr6:149,379,030, plus strand): 5'-CCTCTTCAGTCAATAGCCAGACCTTAAACAGAAATCAGCCCACTGTTTACATAGCTGCCA[G>C]CCCCCCAAATACGGATGAGCTGATGTCCCGTAGTCAACCTAAGGTCTATATTTCAGCGAA-3'
Protein context (NP_001278963.1, residues 362-382): RNQPTVYIAA[Ser372Thr]PPNTDELMSR